The following is an entry in ClinVar:

NM_133379.5(TTN):c.15302A>G (p.Glu5101Gly)

Gene: TTN (titin; minus strand). Cytogenetic location: 2q31.2.
Variant type: single nucleotide variant.
Coding change: c.15302A>G on transcript NM_133379.5; coding-DNA position 15302, A replaced by G.
Protein change: p.Glu5101Gly; replaces glutamic acid 5101 with glycine.
Molecular consequence: missense variant. On other transcripts: intron variant (6).
Genome position (GRCh38, 1-based): chr2:178,747,098, T>C on the plus strand (A>G on the coding strand, the complement: TTN is on the minus strand). VCF-style: chr2-178747098-T-C. GRCh37 (hg19) VCF-style: chr2-179611825-T-C.
Other names: c.10223-5177A>G (NM_003319.4); c.10799-5177A>G (NM_133437.4); c.10598-5177A>G (NM_133432.3); c.10360+6026A>G (NM_133378.4); c.10361-5177A>G (NM_001256850.1); c.11312-5177A>G (NM_001267550.2); c.15302A>G (NM_133379.4); short protein forms E5101G.
Identifiers: ClinVar variation 229587 (VCV000229587.24), dbSNP rs142973956, ClinGen allele CA2003124.

ClinVar aggregate classification (germline): Conflicting classifications of pathogenicity. Review status: criteria provided, conflicting classifications (1 of 4 stars). 6 submissions from 6 submitters: Uncertain significance (1); Likely benign (4). 1 of the submissions does not count toward it. Last evaluated 2025-10-26.

Conditions:
TTN-related disorder. Also called: TTN-related disorders; TTN-related condition; TTN-related disease.

Allele frequency attached by ClinVar (database versions not stated): 1000 Genomes Project 0.00020; ExAC 0.00020; gnomAD exomes 0.00023 and 0.00039; gnomAD 0.00024 and 0.00026; TOPMed 0.00027; ESP Exome Variant Server 0.00031.
gnomAD v4.1: 604 of 1,610,036 alleles (0.038%); highest among the groups gnomAD compares: Non-Finnish European, 0.048%; no homozygotes.

Submissions (6):

PreventionGenetics, part of Exact Sciences
Classification: Likely benign for TTN-related condition. Last evaluated: 2025-10-26. Review status: criteria provided, single submitter. Criteria: ACMG Guidelines, 2015. Collection method: clinical testing. Allele origin: germline.
Comment: This variant is classified as likely benign based on ACMG/AMP sequence variant interpretation guidelines (Richards et al. 2015 PMID: 25741868, with internal and published modifications).

Molecular Diagnostic Laboratory for Inherited Cardiovascular Disease, Montreal Heart Institute
Classification: Likely benign. Last evaluated: 2025-04-09. Review status: criteria provided, single submitter. Criteria: ACMG Guidelines, 2015. Collection method: clinical testing. Allele origin: germline. Affected: no.

Blueprint Genetics
Classification: Likely benign. Last evaluated: 2024-06-11. Review status: criteria provided, single submitter. Criteria: ACMG Guidelines, 2015. Collection method: clinical testing. Allele origin: germline.

GeneDx
Classification: Likely benign. Last evaluated: 2019-06-04. Review status: criteria provided, single submitter. Criteria: GeneDx Variant Classification Process June 2021. Collection method: clinical testing. Allele origin: germline. Affected: yes.

Laboratory for Molecular Medicine, Mass General Brigham Personalized Medicine
Classification: Uncertain significance. Last evaluated: 2015-10-30. Review status: criteria provided, single submitter. Criteria: LMM Criteria. Collection method: clinical testing. Allele origin: germline. Observed: 1 variant allele.
Comment: The p.Glu5101Gly variant in TTN has not been previously reported in individuals with cardiomyopathy, but has been identified in 21/66452 European chromosomes by the Exome Aggregation Consortium (ExAC; dbSNP r s142973956). Computational prediction tools and conservation analysis are limite d or unavailable for this variant. In summary, the clinical significance of the p.Glu5101Gly variant is uncertain.

Department of Pathology and Laboratory Medicine, Sinai Health System
Classification: Uncertain significance. Review status: no assertion criteria provided. Collection method: clinical testing. Allele origin: unknown. Affected: yes. Study: The Canadian Open Genetics Repository (COGR). Not counted in ClinVar's aggregate classification.
Comment: The TTN p.Glu5101Gly variant was not identified in the literature nor was it identified in Cosmic or LOVD 3.0. The variant was identified in dbSNP (ID: rs142973956) and in ClinVar (classified as VUS by Laboratory for Molecular Medicine, Partners HealthCare Personalized Medicine). The variant was also identified in control databases in 60 of 280694 chromosomes at a frequency of 0.000214 (Genome Aggregation Database Feb 27, 2017). The variant was observed in the following populations: European (non-Finnish) in 49 of 128338 chromosomes (freq: 0.000382), Other in 2 of 7130 chromosomes (freq: 0.000281), Latino in 6 of 35192 chromosomes (freq: 0.000171) and African in 3 of 24590 chromosomes (freq: 0.000122); it was not observed in the Ashkenazi Jewish, East Asian, European (Finnish), and South Asian populations. Computational protein prediction programs (PolyPhen-2, MutationTaster, BLOSUM) provide inconsistent predictions regarding the impact to the protein. The variant occurs outside of the splicing consensus sequence and in silico or computational prediction software programs (SpliceSiteFinder, MaxEntScan, NNSPLICE, GeneSplicer) do not predict a difference in splicing. In summary, based on the above information the clinical significance of this variant cannot be determined with certainty at this time. This variant is classified as a variant of uncertain significance.